The following is an entry in ClinVar:

NM_003072.5(SMARCA4):c.1911dup (p.Gln638fs)

Gene: SMARCA4 (SWI/SNF related BAF chromatin remodeling complex subunit ATPase 4; plus strand). Cytogenetic location: 19p13.2.
Variant type: Duplication.
Coding change: c.1911dup on transcript NM_003072.5 (MANE Select); coding-DNA position 1911, one base duplicated (G; older notation c.1911dupG).
Protein change: p.Gln638fs; shifts the reading frame from glutamine 638.
Molecular consequence: frameshift variant. On other transcripts: non-coding transcript variant (1).
Genome position (GRCh38, 1-based): chr19:11,003,127, G duplicated; the last of 3 consecutive G bases (chr19:11,003,125-11,003,127); duplicating any one gives the same sequence. VCF-style (leftmost placement, unchanged base first): chr19-11003124-C-CG. GRCh37 (hg19) VCF-style: chr19-11113800-C-CG.
Other names: c.1911dup, p.Gln638fs (NM_001128844.3, NM_001128845.2, NM_001128846.2 and 5 more transcripts); c.1911dup, p.Gln638Alafs (NM_001411150.1); short protein forms Q638fs.
Identifiers: ClinVar variation 1782510 (VCV001782510.3), dbSNP rs2514452594, ClinGen allele CA2580096307.

ClinVar aggregate classification (germline): Pathogenic (1 of 4 stars; one submission).

Conditions:
Hereditary cancer-predisposing syndrome. Also called: Tumor predisposition; Hereditary Cancer Syndrome; Hereditary neoplastic syndrome; Neoplastic Syndromes, Hereditary. Identifiers: Orphanet 140162, MedGen C0027672, MeSH D009386, MONDO:0015356.

Submission:

Ambry Genetics
Classification: Pathogenic for Hereditary cancer-predisposing syndrome. Last evaluated: 2026-01-12. Review status: criteria provided, single submitter. Criteria: Ambry Variant Classification Scheme 2023. Collection method: clinical testing. Allele origin: germline.
Comment: The c.1911dupG pathogenic mutation, located in coding exon 11 of the SMARCA4 gene, results from a duplication of G at nucleotide position 1911, causing a translational frameshift with a predicted alternate stop codon (p.Q638Afs*13). This variant is considered to be rare based on population cohorts in the Genome Aggregation Database (gnomAD). This alteration is expected to result in loss of function by premature protein truncation or nonsense-mediated mRNA decay. Loss-of-function variants in SMARCA4 are known to cause rhabdoid tumor predisposition syndrome including small cell carcinoma of the ovary-hypercalcemic type (SCCOHT); however, such associations with neurodevelopmental disorders are exceedingly rare (Kosho T et al. Am J Med Genet C Semin Med Genet. 2014 Sep;166C(3):262-75; Jelinic P et al. Nat Genet. 2014 May;46(5):424-6). Based on the supporting evidence, this alteration is pathogenic for rhabdoid tumor predisposition syndrome; however, the association of this alteration with Coffin-Siris syndrome is unlikely.